The following is an entry in ClinVar:

ClinVar aggregate classification (germline): Uncertain significance. Review status: criteria provided, multiple submitters, no conflicts (2 of 4 stars). 2 submissions from 2 submitters: Uncertain significance (2). Last evaluated 2024-03-10.

Conditions:
Familial cancer of breast. Also called: Hereditary breast cancer; hereditary breast carcinoma; BREAST CANCER, FAMILIAL. Identifiers: Orphanet 227535, MedGen C0346153, MONDO:0016419, OMIM 114480. Disease mechanism: loss of function.

Submissions (2):

Labcorp Genetics (formerly Invitae), Labcorp
Classification: Uncertain significance for Familial cancer of breast. Last evaluated: 2024-03-10. Review status: criteria provided, single submitter. Criteria: Invitae Variant Classification Sherloc (09022015). Collection method: clinical testing. Allele origin: germline.
Comment: This sequence change replaces lysine, which is basic and polar, with glutamic acid, which is acidic and polar, at codon 1062 of the PALB2 protein (p.Lys1062Glu). This variant is not present in population databases (gnomAD no frequency). This missense change has been observed in individual(s) with breast cancer (PMID: 35264596). ClinVar contains an entry for this variant (Variation ID: 584901). Advanced modeling of protein sequence and biophysical properties (such as structural, functional, and spatial information, amino acid conservation, physicochemical variation, residue mobility, and thermodynamic stability) performed at Invitae indicates that this missense variant is expected to disrupt PALB2 protein function with a positive predictive value of 80%. In summary, the available evidence is currently insufficient to determine the role of this variant in disease. Therefore, it has been classified as a Variant of Uncertain Significance.

Mendelics
Classification: Uncertain significance for Familial cancer of breast. Last evaluated: 2019-05-28. Review status: criteria provided, single submitter. Criteria: Mendelics Assertion Criteria 2017. Collection method: clinical testing. Allele origin: unknown.

Literature cited by the submitters: PubMed 35264596 (cited by Labcorp Genetics (formerly Invitae), Labcorp).

NM_024675.4(PALB2):c.3184A>G (p.Lys1062Glu)

Gene: PALB2 (partner and localizer of BRCA2; minus strand). Cytogenetic location: 16p12.2.
Variant type: single nucleotide variant.
Coding change: c.3184A>G on transcript NM_024675.4 (MANE Select); coding-DNA position 3184, A replaced by G.
Protein change: p.Lys1062Glu; replaces lysine 1062 with glutamic acid.
Molecular consequence: missense variant.
Genome position (GRCh38, 1-based): chr16:23,614,021, T>C on the plus strand (A>G on the coding strand, the complement: PALB2 is on the minus strand). VCF-style: chr16-23614021-T-C. GRCh37 (hg19) VCF-style: chr16-23625342-T-C.
Other names: short protein forms K1062E.
Identifiers: ClinVar variation 584901 (VCV000584901.6), dbSNP rs1567209813, ClinGen allele CA395141160.
Genomic context (GRCh38, chr16:23,614,021, plus strand): 5'-CCAACAGTAACACACAAAGTGGTCCCAGCCAGTCATTACTTACCATTTCAGAATAGGCTT[T>C]GTGACAGACTGAAGCTTGGTAAGAATCATCAATGTGCATCTTTTTCAGGAGTTGACCAGT-3'
Protein context (NP_078951.2, residues 1052-1072): DDSYQASVCH[Lys1062Glu]AYSEMGLLFI